The following is an entry in ClinVar:

ClinVar aggregate classification (germline): Uncertain significance (1 of 4 stars; one submission).

Conditions:
CACNA1A-related disorder. Also called: CACNA1A-related condition.

Submission:

PreventionGenetics, part of Exact Sciences
Classification: Uncertain significance for CACNA1A-related condition. Last evaluated: 2026-06-27. Review status: criteria provided, single submitter. Criteria: ACMG Guidelines, 2015. Collection method: clinical testing. Allele origin: germline.
Comment: The CACNA1A c.4730T>G variant is predicted to result in the amino acid substitution p.Leu1577Arg. To our knowledge, this variant has not been reported in the literature or in a large population database (gnomAD), indicating this variant is rare. At this time, the clinical significance of this variant is uncertain due to the absence of conclusive functional and genetic evidence.

NM_001127222.2(CACNA1A):c.4730T>G (p.Leu1577Arg)

Gene: CACNA1A (calcium voltage-gated channel subunit alpha1 A; minus strand). Cytogenetic location: 19p13.13.
Variant type: single nucleotide variant.
Coding change: c.4730T>G on transcript NM_001127222.2 (MANE Select); coding-DNA position 4730, T replaced by G.
Protein change: p.Leu1577Arg; replaces leucine 1577 with arginine.
Molecular consequence: missense variant.
Genome position (GRCh38, 1-based): chr19:13,255,120, A>C on the plus strand (T>G on the coding strand, the complement: CACNA1A is on the minus strand). VCF-style: chr19-13255120-A-C. GRCh37 (hg19) VCF-style: chr19-13365934-A-C.
Other names: c.4742T>G, p.Leu1581Arg (NM_000068.4, NM_023035.3); c.4733T>G, p.Leu1578Arg (NM_001127221.2, NM_001174080.2); short protein forms L1578R, L1577R, L1581R.
Identifiers: ClinVar variation 4994331 (VCV004994331.1).